The following is an entry in ClinVar:

ClinVar aggregate classification (germline): Uncertain significance. Review status: criteria provided, multiple submitters, no conflicts (2 of 4 stars). 2 submissions from 2 submitters: Uncertain significance (2). Last evaluated 2024-04-30.

Conditions:
Hereditary cancer-predisposing syndrome. Also called: Neoplastic Syndromes, Hereditary; Tumor predisposition; Hereditary Cancer Syndrome; Hereditary neoplastic syndrome. Identifiers: Orphanet 140162, MedGen C0027672, MeSH D009386, MONDO:0015356.

Allele frequency attached by ClinVar (database versions not stated): gnomAD exomes below 0.00001.
gnomAD v4.1: 2 of 1,614,166 alleles (0.00012%); highest among the groups gnomAD compares: Non-Finnish European, 0.00017%; no homozygotes.

Submissions (2):

GeneDx
Classification: Uncertain significance. Last evaluated: 2024-04-30. Review status: criteria provided, single submitter. Criteria: GeneDx Variant Classification Process June 2021. Collection method: clinical testing. Allele origin: germline. Affected: yes.
Comment: Not observed at significant frequency in large population cohorts (gnomAD); In silico analysis indicates that this missense variant does not alter protein structure/function; Has not been previously published as pathogenic or benign to our knowledge; This variant is associated with the following publications: (PMID: 23108399, 11801590, 11092888, 11160897)

Ambry Genetics
Classification: Uncertain significance for Hereditary cancer-predisposing syndrome. Last evaluated: 2016-12-15. Review status: criteria provided, single submitter. Criteria: Ambry Variant Classification Scheme 2023. Collection method: clinical testing. Allele origin: germline.
Comment: The p.S259F variant (also known as c.776C>T), located in coding exon 9 of the MUTYH gene, results from a C to T substitution at nucleotide position 776. The serine at codon 259 is replaced by phenylalanine, an amino acid with highly dissimilar properties. This amino acid position is not well conserved in available vertebrate species. In addition, the in silico prediction for this alteration is inconclusive. Since supporting evidence is limited at this time, the clinical significance of this alteration remains unclear.

NM_001048174.2(MUTYH):c.692C>T (p.Ser231Phe)

Gene: MUTYH (mutY DNA glycosylase; minus strand). Cytogenetic location: 1p34.1.
Variant type: single nucleotide variant.
Coding change: c.692C>T on transcript NM_001048174.2 (MANE Select); coding-DNA position 692, C replaced by T.
Protein change: p.Ser231Phe; replaces serine 231 with phenylalanine.
Molecular consequence: missense variant. On other transcripts: non-coding transcript variant (2).
Genome position (GRCh38, 1-based): chr1:45,332,403, G>A on the plus strand (C>T on the coding strand, the complement: MUTYH is on the minus strand). VCF-style: chr1-45332403-G-A. GRCh37 (hg19) VCF-style: chr1-45798075-G-A.
Other names: c.692C>T, p.Ser231Phe (NM_001048171.2, NM_001048173.2, NM_001293195.2); c.695C>T, p.Ser232Phe (NM_001048172.2); c.776C>T, p.Ser259Phe (NM_001128425.2); c.737C>T, p.Ser246Phe (NM_001293190.2); c.725C>T, p.Ser242Phe (NM_001293191.2); c.416C>T, p.Ser139Phe (NM_001293192.2, NM_001293196.2); c.347C>T, p.Ser116Phe (NM_001350650.2, NM_001350651.2); c.767C>T, p.Ser256Phe (NM_012222.3); short protein forms S259F, S242F, S232F, S246F, S256F, S116F, S139F, S231F.
Identifiers: ClinVar variation 481819 (VCV000481819.6), dbSNP rs1553127975, ClinGen allele CA340134770.